The following is an entry in ClinVar:

NM_000218.3(KCNQ1):c.1514+30338C>A

Genes: KCNQ1 (potassium voltage-gated channel subfamily Q member 1; plus strand), KCNQ1OT1 (KCNQ1 opposite strand/antisense transcript 1; minus strand). Cytogenetic location: 11p15.5.
Variant type: single nucleotide variant.
Coding change: c.1514+30338C>A on transcript NM_000218.3 (MANE Select); 30338 bases into the intron after coding-DNA position 1514, C replaced by A.
Molecular consequence: intron variant. On other transcripts: non-coding transcript variant (1).
Genome position (GRCh38, 1-based): chr11:2,692,419, C>A. VCF-style: chr11-2692419-C-A. GRCh37 (hg19) VCF-style: chr11-2713649-C-A.
Other names: c.1244+30338C>A (NM_001406837.1); c.1418+30338C>A (NM_001406836.1); c.974+30338C>A (NM_001406838.1); c.1133+30338C>A (NM_181798.2).
Identifiers: ClinVar variation 3060233 (VCV003060233.2), dbSNP rs231350, ClinGen allele CA15678307.

ClinVar aggregate classification (germline): Benign (0 of 4 stars; one submission).

Conditions:
KCNQ1-related disorder. Also called: KCNQ1-related condition; KCNQ1-related disorders. Identifiers: MedGen CN239322.

Allele frequency attached by ClinVar (database versions not stated): gnomAD exomes 0.42835; gnomAD 0.42905; TOPMed 0.43598; 1000 Genomes Project 30x 0.55497; 1000 Genomes Project 0.56110.
gnomAD v4.1: 170,346 of 398,446 alleles (43%); highest among the groups gnomAD compares: East Asian, 96%; 41,691 homozygotes.

Submission:

PreventionGenetics, part of Exact Sciences
Classification: Benign for KCNQ1-related condition. Last evaluated: 2019-10-28. Review status: no assertion criteria provided. Collection method: clinical testing. Allele origin: germline.
Comment: This variant is classified as benign based on ACMG/AMP sequence variant interpretation guidelines (Richards et al. 2015 PMID: 25741868, with internal and published modifications).